The following is an entry in ClinVar:

NM_000548.5(TSC2):c.675G>A (p.Val225=)

Gene: TSC2 (TSC complex subunit 2; plus strand). Cytogenetic location: 16p13.3.
Variant type: single nucleotide variant.
Coding change: c.675G>A on transcript NM_000548.5 (MANE Select); coding-DNA position 675, G replaced by A.
Protein change: p.Val225=; no amino-acid change (valine 225 retained).
Molecular consequence: synonymous variant.
Genome position (GRCh38, 1-based): chr16:2,056,670, G>A. VCF-style: chr16-2056670-G-A. GRCh37 (hg19) VCF-style: chr16-2106671-G-A.
Other names: c.675G>A, p.Val225= (NM_001370404.1, NM_001370405.1, NM_021055.3 and 3 more transcripts); c.564G>A, p.Val188= (NM_001318827.2); c.528G>A, p.Val176= (NM_001318829.2); c.75G>A, p.Val25= (NM_001318831.2); c.708G>A, p.Val236= (NM_001318832.2).
Identifiers: ClinVar variation 1090574 (VCV001090574.13), dbSNP rs2085881355, ClinGen allele CA492957019.

ClinVar aggregate classification (germline): Benign/Likely benign. Review status: criteria provided, multiple submitters, no conflicts (2 of 4 stars). 3 submissions from 3 submitters: Benign (1); Likely benign (2). Last evaluated 2025-05-09.

Conditions:
Tuberous sclerosis 2 (TSC2). Identifiers: Orphanet 805, MedGen C1860707, MONDO:0013199, OMIM 613254.
Hereditary cancer-predisposing syndrome. Also called: Tumor predisposition; Neoplastic Syndromes, Hereditary; Hereditary Cancer Syndrome; Hereditary neoplastic syndrome. Identifiers: Orphanet 140162, MedGen C0027672, MeSH D009386, MONDO:0015356.

Allele frequency attached by ClinVar (database versions not stated): TOPMed 0.00002.

Submissions (3):

Myriad Genetics, Inc.
Classification: Benign for Tuberous sclerosis 2. Last evaluated: 2025-05-09. Review status: criteria provided, single submitter. Criteria: Myriad Autosomal Dominant, Autosomal Recessive and X-Linked Classification Criteria (2023). Collection method: clinical testing. Allele origin: unknown.
Comment: This variant is considered benign. This variant is a silent/synonymous amino acid change and it is not expected to impact splicing.

Labcorp Genetics (formerly Invitae), Labcorp
Classification: Likely benign for Tuberous sclerosis 2. Last evaluated: 2022-04-11. Review status: criteria provided, single submitter. Criteria: Invitae Variant Classification Sherloc (09022015). Collection method: clinical testing. Allele origin: germline.

Ambry Genetics
Classification: Likely benign for Hereditary cancer-predisposing syndrome. Last evaluated: 2021-04-26. Review status: criteria provided, single submitter. Criteria: Ambry Variant Classification Scheme 2023. Collection method: clinical testing. Allele origin: germline.